The following is an entry in ClinVar:

NM_000501.4(ELN):c.2128C>G (p.Pro710Ala)

Gene: ELN (elastin; plus strand). Cytogenetic location: 7q11.23.
Variant type: single nucleotide variant.
Coding change: c.2128C>G on transcript NM_000501.4 (MANE Select); coding-DNA position 2128, C replaced by G.
Protein change: p.Pro710Ala; replaces proline 710 with alanine.
Molecular consequence: missense variant.
Genome position (GRCh38, 1-based): chr7:74,066,773, C>G. VCF-style: chr7-74066773-C-G. GRCh37 (hg19) VCF-style: chr7-73481103-C-G.
Other names: c.2128C>G (NM_000501.2); c.1987C>G, p.Pro663Ala (NM_001081752.3); c.2032C>G, p.Pro678Ala (NM_001081753.3); c.2089C>G, p.Pro697Ala (NM_001081754.3); c.2071C>G, p.Pro691Ala (NM_001081755.3); c.2074C>G, p.Pro692Ala (NM_001278912.2); c.1885C>G, p.Pro629Ala (NM_001278913.2); c.2056C>G, p.Pro686Ala (NM_001278914.2); and 5 more; short protein forms P603A, P629A, P644A, P663A, P678A, P686A, P691A, P692A.
Identifiers: ClinVar variation 1007869 (VCV001007869.11), dbSNP rs368993919, ClinGen allele CA4293403.

ClinVar aggregate classification (germline): Uncertain significance. Review status: criteria provided, multiple submitters, no conflicts (2 of 4 stars). 4 submissions from 4 submitters: Uncertain significance (4). Last evaluated 2025-09-10.

Conditions:
Inborn genetic diseases. Identifiers: MedGen C0950123, MeSH D030342.
Supravalvar aortic stenosis (SVAS). Also called: Supravalvar aortic stenosis, Eisenberg type. Identifiers: Orphanet 3193, MedGen C0003499, MONDO:0008504, OMIM 185500, HP:0004381.

Allele frequency attached by ClinVar (database versions not stated): ESP Exome Variant Server 0.00008.
gnomAD v4.1: 8 of 1,613,302 alleles (0.0005%); highest among the groups gnomAD compares: Non-Finnish European, 0.00068%; no homozygotes.

Submissions (4):

Ambry Genetics
Classification: Uncertain significance for Inborn genetic diseases. Last evaluated: 2025-09-10. Review status: criteria provided, single submitter. Criteria: Ambry Variant Classification Scheme 2023. Collection method: clinical testing. Allele origin: germline.

GeneDx
Classification: Uncertain significance. Last evaluated: 2024-09-24. Review status: criteria provided, single submitter. Criteria: GeneDx Variant Classification Process June 2021. Collection method: clinical testing. Allele origin: germline. Affected: yes.
Comment: Not observed at significant frequency in large population cohorts (gnomAD); In silico analysis supports that this missense variant has a deleterious effect on protein structure/function; Has not been previously published as pathogenic or benign to our knowledge

Women's Health and Genetics/Laboratory Corporation of America, LabCorp
Classification: Uncertain significance. Last evaluated: 2024-06-19. Review status: criteria provided, single submitter. Criteria: LabCorp Variant Classification Summary - May 2015. Collection method: clinical testing. Allele origin: germline.
Comment: Variant summary: ELN c.2314C>G (p.Pro772Ala) results in a non-conservative amino acid change in the encoded protein sequence. Three of five in-silico tools predict a damaging effect of the variant on protein function. The variant allele was found at a frequency of 4e-06 in 251290 control chromosomes. The available data on variant occurrences in the general population are insufficient to allow any conclusion about variant significance. To our knowledge, no occurrence of c.2314C>G in individuals affected with Supravalvar Aortic Stenosis and no experimental evidence demonstrating its impact on protein function have been reported. ClinVar contains an entry for this variant (Variation ID: 1007869). Based on the evidence outlined above, the variant was classified as uncertain significance.

Labcorp Genetics (formerly Invitae), Labcorp
Classification: Uncertain significance for Supravalvar aortic stenosis. Last evaluated: 2020-10-14. Review status: criteria provided, single submitter. Criteria: Invitae Variant Classification Sherloc (09022015). Collection method: clinical testing. Allele origin: germline.
Comment: In summary, the available evidence is currently insufficient to determine the role of this variant in disease. Therefore, it has been classified as a Variant of Uncertain Significance. Algorithms developed to predict the effect of missense changes on protein structure and function are either unavailable or do not agree on the potential impact of this missense change (SIFT: "Tolerated"; PolyPhen-2: "Not Available"; Align-GVGD: "Class C0"). This variant has not been reported in the literature in individuals with ELN-related conditions. This variant is present in population databases (rs368993919, ExAC 0.002%). This sequence change replaces proline with alanine at codon 772 of the ELN protein (p.Pro772Ala). The proline residue is weakly conserved and there is a small physicochemical difference between proline and alanine.